The following is an entry in ClinVar:

ClinVar aggregate classification (germline): Uncertain significance. Review status: criteria provided, multiple submitters, no conflicts (2 of 4 stars). 2 submissions from 2 submitters: Uncertain significance (2). Last evaluated 2026-01-12.

Conditions:
Deficiency of alpha-mannosidase (MANSA). Also called: Alpha-Mannosidosis; Mannosidosis, alpha-, types I and II; LYSOSOMAL ALPHA-D-MANNOSIDASE DEFICIENCY. Identifiers: Orphanet 61, MedGen C0024748, MONDO:0009561, OMIM 248500.
Inborn genetic diseases. Identifiers: MedGen C0950123, MeSH D030342.

Allele frequency attached by ClinVar (database versions not stated): TOPMed below 0.00001; gnomAD exomes 0.00001; ExAC 0.00002.
gnomAD v4.1: 4 of 1,609,992 alleles (0.00025%); highest among the groups gnomAD compares: South Asian, 0.0011%; no homozygotes.

Submissions (2):

Labcorp Genetics (formerly Invitae), Labcorp
Classification: Uncertain significance for Deficiency of alpha-mannosidase. Last evaluated: 2026-01-12. Review status: criteria provided, single submitter. Criteria: Invitae Variant Classification Sherloc (09022015). Collection method: clinical testing. Allele origin: germline.
Comment: This sequence change replaces alanine, which is neutral and non-polar, with valine, which is neutral and non-polar, at codon 854 of the MAN2B1 protein (p.Ala854Val). This variant is present in population databases (rs775204651, gnomAD 0.003%). This variant has not been reported in the literature in individuals affected with MAN2B1-related conditions. ClinVar contains an entry for this variant (Variation ID: 1391142). Invitae Evidence Modeling of protein sequence and biophysical properties (such as structural, functional, and spatial information, amino acid conservation, physicochemical variation, residue mobility, and thermodynamic stability) indicates that this missense variant is not expected to disrupt MAN2B1 protein function with a negative predictive value of 95%. In summary, the available evidence is currently insufficient to determine the role of this variant in disease. Therefore, it has been classified as a Variant of Uncertain Significance.

Ambry Genetics
Classification: Uncertain significance for Inborn genetic diseases. Last evaluated: 2021-07-20. Review status: criteria provided, single submitter. Criteria: Ambry Variant Classification Scheme 2023. Collection method: clinical testing. Allele origin: germline.

NM_000528.4(MAN2B1):c.2561C>T (p.Ala854Val)

Gene: MAN2B1 (mannosidase alpha class 2B member 1; minus strand). Cytogenetic location: 19p13.13.
Variant type: single nucleotide variant.
Coding change: c.2561C>T on transcript NM_000528.4 (MANE Select); coding-DNA position 2561, C replaced by T.
Protein change: p.Ala854Val; replaces alanine 854 with valine.
Molecular consequence: missense variant.
Genome position (GRCh38, 1-based): chr19:12,648,278, G>A on the plus strand (C>T on the coding strand, the complement: MAN2B1 is on the minus strand). VCF-style: chr19-12648278-G-A. GRCh37 (hg19) VCF-style: chr19-12759092-G-A.
Other names: c.2558C>T, p.Ala853Val (NM_001173498.2); c.2561C>T (NM_000528.3); short protein forms A853V, A854V.
Identifiers: ClinVar variation 1391142 (VCV001391142.5), dbSNP rs775204651, ClinGen allele CA9225986.